The following is an entry in ClinVar:

ClinVar aggregate classification (germline): Uncertain significance. Review status: criteria provided, multiple submitters, no conflicts (2 of 4 stars). 2 submissions from 2 submitters: Uncertain significance (2). Last evaluated 2022-07-29.

Allele frequency attached by ClinVar (database versions not stated): ExAC 0.00002; gnomAD 0.00006 and 0.00007; TOPMed 0.00007; ESP Exome Variant Server 0.00015.
gnomAD v4.1: 38 of 1,614,086 alleles (0.0024%); highest among the groups gnomAD compares: African/African-American, 0.013%; no homozygotes.

Submissions (2):

Labcorp Genetics (formerly Invitae), Labcorp
Classification: Uncertain significance. Last evaluated: 2022-07-29. Review status: criteria provided, single submitter. Criteria: Invitae Variant Classification Sherloc (09022015). Collection method: clinical testing. Allele origin: germline.
Comment: In summary, the available evidence is currently insufficient to determine the role of this variant in disease. Therefore, it has been classified as a Variant of Uncertain Significance. Algorithms developed to predict the effect of missense changes on protein structure and function (SIFT, PolyPhen-2, Align-GVGD) all suggest that this variant is likely to be tolerated. ClinVar contains an entry for this variant (Variation ID: 287338). This variant has not been reported in the literature in individuals affected with CNNM4-related conditions. This variant is present in population databases (rs138520397, gnomAD 0.03%). This sequence change replaces leucine, which is neutral and non-polar, with phenylalanine, which is neutral and non-polar, at codon 109 of the CNNM4 protein (p.Leu109Phe).

Eurofins Ntd Llc (ga)
Classification: Uncertain significance. Last evaluated: 2017-11-10. Review status: criteria provided, single submitter. Criteria: EGL Classification Definitions 2015. Collection method: clinical testing. Allele origin: germline. Observed: 2 variant alleles, 2 heterozygotes.

NM_020184.4(CNNM4):c.325C>T (p.Leu109Phe)

Gene: CNNM4 (cyclin and CBS domain divalent metal cation transport mediator 4; plus strand). Cytogenetic location: 2q11.2.
Variant type: single nucleotide variant.
Coding change: c.325C>T on transcript NM_020184.4 (MANE Select); coding-DNA position 325, C replaced by T.
Protein change: p.Leu109Phe; replaces leucine 109 with phenylalanine.
Molecular consequence: missense variant.
Genome position (GRCh38, 1-based): chr2:96,761,324, C>T. VCF-style: chr2-96761324-C-T. GRCh37 (hg19) VCF-style: chr2-97427061-C-T.
Other names: short protein forms L109F.
Identifiers: ClinVar variation 287338 (VCV000287338.13), dbSNP rs138520397, ClinGen allele CA1783190.